The following is an entry in ClinVar:

NM_004183.4(BEST1):c.248-1G>A

Gene: BEST1 (bestrophin 1; plus strand). Cytogenetic location: 11q12.3.
Variant type: single nucleotide variant.
Coding change: c.248-1G>A on transcript NM_004183.4 (MANE Select); the canonical splice acceptor site of the intron before coding-DNA position 248, G replaced by A.
Molecular consequence: splice acceptor variant.
Genome position (GRCh38, 1-based): chr11:61,955,717, G>A. VCF-style: chr11-61955717-G-A. GRCh37 (hg19) VCF-style: chr11-61723189-G-A.
Other names: c.248-1G>A (NM_001363592.2, NM_001440571.1, NM_001440572.1 and 1 more transcripts); c.68-1G>A (NM_001139443.3, NM_001300787.2, NM_001440574.1 and 3 more transcripts); c.-928-1G>A (NM_001363593.3); c.-71-1G>A (NM_001363591.3).
Identifiers: ClinVar variation 1477564 (VCV001477564.8), dbSNP rs2134429776, ClinGen allele CA380833914.

ClinVar aggregate classification (germline): Likely pathogenic (1 of 4 stars; one submission).

Submission:

Labcorp Genetics (formerly Invitae), Labcorp
Classification: Likely pathogenic. Last evaluated: 2021-03-28. Review status: criteria provided, single submitter. Criteria: Invitae Variant Classification Sherloc (09022015). Collection method: clinical testing. Allele origin: germline.
Comment: This sequence change affects an acceptor splice site in intron 3 of the BEST1 gene. It is expected to disrupt RNA splicing. Variants that disrupt the donor or acceptor splice site typically lead to a loss of protein function (PMID: 16199547), and loss-of-function variants in BEST1 are known to be pathogenic (PMID: 21825197). In summary, the currently available evidence indicates that the variant is pathogenic, but additional data are needed to prove that conclusively. Therefore, this variant has been classified as Likely Pathogenic. Algorithms developed to predict the effect of sequence changes on RNA splicing suggest that this variant may disrupt the consensus splice site, but this prediction has not been confirmed by published transcriptional studies. This variant has not been reported in the literature in individuals with BEST1-related conditions. The frequency data for this variant in the population databases is considered unreliable, as metrics indicate insufficient coverage at this position in the ExAC database.

Literature cited by the submitters: PubMed 16199547; PubMed 21825197.